The following is an entry in ClinVar:

ClinVar aggregate classification (germline): Pathogenic. Review status: criteria provided, multiple submitters, no conflicts (2 of 4 stars). 2 submissions from 2 submitters: Pathogenic (2). Last evaluated 2025-05-11.

Conditions:
Diamond-Blackfan anemia. Also called: Blackfan Diamond syndrome; Aregenerative anemia chronic congenital; Red cell aplasia, pure hereditary; Congenital hypoplastic anemia; Aase syndrome. Identifiers: Orphanet 124, MedGen C1260899, MeSH D029503, MONDO:0015253, HP:0004810.

Submissions (2):

Labcorp Genetics (formerly Invitae), Labcorp
Classification: Pathogenic for Diamond-Blackfan anemia. Last evaluated: 2025-05-11. Review status: criteria provided, single submitter. Criteria: Invitae Variant Classification Sherloc (09022015). Collection method: clinical testing. Allele origin: germline.
Comment: This sequence change is expected to alter the c-terminus of the RPS19 protein (p.Asp130Serfs*23). While this is not anticipated to result in nonsense mediated decay, it is expected to disrupt the last 16 amino acid(s) of the RPS19 protein and extend the protein by 6 additional amino acid residues. This variant is not present in population databases (gnomAD no frequency). This frameshift has been observed in individual(s) with symptoms of Diamond-Blackfan anemia (PMID: 10590074, 11112378, 15059149, 15075082). This variant is also known as a deletion of c.383_384. ClinVar contains an entry for this variant (Variation ID: 580015). Algorithms developed to predict the effect of variants on gene product structure and function are not available or were not evaluated for this variant. Experimental studies have shown that this frameshift affects RPS19 function (PMID: 18768533). This variant disrupts a region of the RPS19 protein in which other variant(s) (p.Asp130Serfs*23) have been determined to be pathogenic (PMID: 25946618). This suggests that this is a clinically significant region of the protein, and that variants that disrupt it are likely to be disease-causing. For these reasons, this variant has been classified as Pathogenic.

GeneDx
Classification: Pathogenic. Last evaluated: 2024-05-30. Review status: criteria provided, single submitter. Criteria: GeneDx Variant Classification Process June 2021. Collection method: clinical testing. Allele origin: germline. Affected: yes.
Comment: Frameshift variant in the C-terminus predicted to result in protein truncation, as the last 16 amino acids are lost and replaced with 22 incorrect amino acids; Not observed in large population cohorts (gnomAD); This variant is associated with the following publications: (PMID: 25946618, 11112378, 15075082, 35295078, 32643123, 15059149, 10590074)

Literature cited by the submitters: PubMed 10590074 (cited by Labcorp Genetics (formerly Invitae), Labcorp); PubMed 11112378 (cited by Labcorp Genetics (formerly Invitae), Labcorp); PubMed 15059149 (cited by Labcorp Genetics (formerly Invitae), Labcorp); PubMed 15075082 (cited by Labcorp Genetics (formerly Invitae), Labcorp); PubMed 18768533 (cited by Labcorp Genetics (formerly Invitae), Labcorp); PubMed 25946618 (cited by Labcorp Genetics (formerly Invitae), Labcorp).

NM_001022.4(RPS19):c.384_385del (p.Asp130fs)

Genes: RPS19 (ribosomal protein S19; plus strand), RPS19-CD79A (RPS19-CD79A readthrough; plus strand). Cytogenetic location: 19q13.2.
Variant type: Deletion.
Coding change: c.384_385del on transcript NM_001022.4 (MANE Select); coding-DNA positions 384 to 385, 2 bases deleted (AA; older notation c.384_385delAA).
Protein change: p.Asp130fs; shifts the reading frame from aspartic acid 130.
Molecular consequence: frameshift variant.
Genome position (GRCh38, 1-based): chr19:41,869,726-41,869,727, AA deleted; deleting any 2 consecutive bases within chr19:41,869,725-41,869,727 gives the same sequence; the c. name uses the placement nearest the transcript's 3' end. VCF-style (leftmost placement, unchanged base first): chr19-41869724-CAA-C. GRCh37 (hg19) VCF-style: chr19-42373794-CAA-C.
Other names: c.384_385del, p.Asp130fs (NM_001321483.2, NM_001321484.2); c.397_398del, p.Lys133fs (NM_001321485.2); c.384_385delAA (NM_001022.3); c.384_385del (NM_001022.3); short protein forms K133fs, D130fs.
Identifiers: ClinVar variation 580015 (VCV000580015.10), dbSNP rs869066130, ClinGen allele CA891844021.
Genomic context (GRCh38, chr19:41,869,724, plus strand): 5'-TCACTGGGGCCTGCATGACCCTTCCCTCCCCACAGCGGCCGCAAACTGACACCTCAGGGA[CAA>C]AGAGATCTGGACAGAATCGCCGGACAGGTAAGGCCTGCGTTTGGGGTGGGGCTGGGTCCC-3'